The following is an entry in ClinVar:

ClinVar aggregate classification (germline): Benign/Likely benign. Review status: criteria provided, multiple submitters, no conflicts (2 of 4 stars). 7 submissions from 7 submitters: Benign (2); Likely benign (3). 2 of the submissions do not count toward it. Last evaluated 2026-02-01.

Conditions:
Inborn genetic diseases. Identifiers: MedGen C0950123, MeSH D030342.
Xeroderma pigmentosum (XP). Identifiers: Orphanet 910, MedGen C0043346, MONDO:0019600.

Allele frequency attached by ClinVar (database versions not stated): gnomAD exomes 0.00027 and 0.00078; ExAC 0.00086; 1000 Genomes Project 0.00220; gnomAD 0.00224 and 0.00248; 1000 Genomes Project 30x 0.00234; TOPMed 0.00258; ESP Exome Variant Server 0.00338.
gnomAD v4.1: 758 of 1,613,944 alleles (0.047%); highest among the groups gnomAD compares: African/African-American, 0.81%; 5 homozygotes.

Submissions (7):

Labcorp Genetics (formerly Invitae), Labcorp
Classification: Benign. Last evaluated: 2026-02-01. Review status: criteria provided, single submitter. Criteria: Invitae Variant Classification Sherloc (09022015). Collection method: clinical testing. Allele origin: germline.

CeGaT Center for Human Genetics Tuebingen
Classification: Likely benign. Last evaluated: 2025-11-01. Review status: criteria provided, single submitter. Criteria: CeGaT Center For Human Genetics Tuebingen Variant Classification Criteria Version 2. Collection method: clinical testing. Allele origin: germline. Affected: yes. Observed: 1 variant allele.
Comment: ERCC2: BP4, BP7

Ambry Genetics
Classification: Likely benign for Inborn genetic diseases. Last evaluated: 2022-02-12. Review status: criteria provided, single submitter. Criteria: Ambry Variant Classification Scheme 2023. Collection method: clinical testing. Allele origin: germline.

Sema4
Classification: Likely benign for Xeroderma pigmentosum. Last evaluated: 2020-12-29. Review status: criteria provided, single submitter. Criteria: Sema4 Curation Guidelines. Collection method: curation. Allele origin: germline.

Athena Diagnostics
Classification: Benign. Last evaluated: 2018-11-12. Review status: criteria provided, single submitter. Criteria: Athena Diagnostics Criteria. Collection method: clinical testing. Allele origin: germline.

Clinical Genetics DNA and cytogenetics Diagnostics Lab, Erasmus MC, Erasmus Medical Center
Classification: Likely benign. Review status: no assertion criteria provided. Collection method: clinical testing. Allele origin: germline. Affected: yes. Study: VKGL Data-share Consensus. Not counted in ClinVar's aggregate classification.

Genome Diagnostics Laboratory, Amsterdam University Medical Center
Classification: Likely benign. Review status: no assertion criteria provided. Collection method: clinical testing. Allele origin: germline. Affected: yes. Study: VKGL Data-share Consensus. Not counted in ClinVar's aggregate classification.

NM_000400.4(ERCC2):c.699C>T (p.Phe233=)

Gene: ERCC2 (ERCC excision repair 2, TFIIH core complex helicase subunit; minus strand). Cytogenetic location: 19q13.32.
Variant type: single nucleotide variant.
Coding change: c.699C>T on transcript NM_000400.4 (MANE Select); coding-DNA position 699, C replaced by T.
Protein change: p.Phe233=; no amino-acid change (phenylalanine 233 retained).
Molecular consequence: synonymous variant.
Genome position (GRCh38, 1-based): chr19:45,364,443, G>A on the plus strand (C>T on the coding strand, the complement: ERCC2 is on the minus strand). VCF-style: chr19-45364443-G-A. GRCh37 (hg19) VCF-style: chr19-45867701-G-A.
Other names: c.627C>T, p.Phe209= (NM_001130867.2).
Identifiers: ClinVar variation 736815 (VCV000736815.23), dbSNP rs141816180, ClinGen allele CA9513680.